The following is an entry in ClinVar:

ClinVar aggregate classification (germline): Likely benign (1 of 4 stars; one submission).

Allele frequency attached by ClinVar (database versions not stated): ExAC 0.00001; gnomAD 0.00003; gnomAD exomes 0.00004; TOPMed 0.00005.
gnomAD v4.1: 46 of 1,207,473 alleles (0.0038%); highest among the groups gnomAD compares: Non-Finnish European, 0.0048%; no homozygotes.

Submission:

CeGaT Center for Human Genetics Tuebingen
Classification: Likely benign. Last evaluated: 2022-09-01. Review status: criteria provided, single submitter. Criteria: CeGaT Center For Human Genetics Tuebingen Variant Classification Criteria Version 2. Collection method: clinical testing. Allele origin: germline. Affected: yes. Observed: 1 variant allele.
Comment: RNF128: BP4, BP7

NM_194463.2(RNF128):c.513C>T (p.Ile171=)

Gene: RNF128 (ring finger protein 128; plus strand). Cytogenetic location: Xq22.3.
Variant type: single nucleotide variant.
Coding change: c.513C>T on transcript NM_194463.2 (MANE Select); coding-DNA position 513, C replaced by T.
Protein change: p.Ile171=; no amino-acid change (isoleucine 171 retained).
Molecular consequence: synonymous variant.
Genome position (GRCh38, 1-based): chrX:106,772,941, C>T. VCF-style: chrX-106772941-C-T. GRCh37 (hg19) VCF-style: chrX-106016171-C-T.
Other names: c.435C>T, p.Ile145= (NM_024539.3).
Identifiers: ClinVar variation 2661138 (VCV002661138.24), dbSNP rs201268269, ClinGen allele CA10482669.